The following is an entry in ClinVar:

NM_052867.4(NALCN):c.3584A>G (p.Asp1195Gly)

Gene: NALCN (sodium leak channel, non-selective; minus strand). Cytogenetic location: 13q32.3.
Variant type: single nucleotide variant.
Coding change: c.3584A>G on transcript NM_052867.4 (MANE Select); coding-DNA position 3584, A replaced by G.
Protein change: p.Asp1195Gly; replaces aspartic acid 1195 with glycine.
Molecular consequence: missense variant.
Genome position (GRCh38, 1-based): chr13:101,083,198, T>C on the plus strand (A>G on the coding strand, the complement: NALCN is on the minus strand). VCF-style: chr13-101083198-T-C. GRCh37 (hg19) VCF-style: chr13-101735549-T-C.
Other names: c.3671A>G, p.Asp1224Gly (NM_001350748.2); c.3584A>G, p.Asp1195Gly (NM_001350749.2); c.3497A>G, p.Asp1166Gly (NM_001350750.2, NM_001350751.2); short protein forms D1166G, D1195G, D1224G.
Identifiers: ClinVar variation 2695414 (VCV002695414.3), dbSNP rs2501991816, ClinGen allele CA388651642.
Genomic context (GRCh38, chr13:101,083,198, plus strand): 5'-GTCCTCTTAAAAAATGGATGCTGGGTTATGTCATACATTTTAGCTCTAAAACCATCATTA[T>C]CTAGAAAAGAAAGGTTTGGGCAAGGGCATTTTAGACACAGGTCACATTTACTTTCTTGTC-3'
Protein context (NP_443099.1, residues 1185-1205): AQPLHLPPRP[Asp1195Gly]NDGFRAKMYD

ClinVar aggregate classification (germline): Uncertain significance (1 of 4 stars; one submission).

Submission:

Labcorp Genetics (formerly Invitae), Labcorp
Classification: Uncertain significance. Last evaluated: 2023-11-13. Review status: criteria provided, single submitter. Criteria: Invitae Variant Classification Sherloc (09022015). Collection method: clinical testing. Allele origin: germline.
Comment: This sequence change replaces aspartic acid, which is acidic and polar, with glycine, which is neutral and non-polar, at codon 1195 of the NALCN protein (p.Asp1195Gly). This variant is not present in population databases (gnomAD no frequency). This variant has not been reported in the literature in individuals affected with NALCN-related conditions. An algorithm developed to predict the effect of missense changes on protein structure and function (PolyPhen-2) suggests that this variant is likely to be tolerated. In summary, the available evidence is currently insufficient to determine the role of this variant in disease. Therefore, it has been classified as a Variant of Uncertain Significance.